The following is an entry in ClinVar:

ClinVar aggregate classification (germline): Uncertain significance (0 of 4 stars; one submission).

Conditions:
MAF-related disorder. Also called: MAF-related condition.

Submission:

PreventionGenetics, part of Exact Sciences
Classification: Uncertain significance for MAF-related condition. Last evaluated: 2024-02-27. Review status: no assertion criteria provided. Collection method: clinical testing. Allele origin: germline.
Comment: The MAF c.895C>G variant is predicted to result in the amino acid substitution p.Arg299Gly. To our knowledge, this variant has not been reported in the literature or in a large population database, indicating this variant is rare. Of note a different variant impacting the same amino acid (p.Arg299Ser) has been documented in patients with cataracts (Vanita et al. 2014. PubMed ID: 25064449). At this time, the clinical significance of the p.Arg229Gly variant is uncertain due to the absence of conclusive functional and genetic evidence.

NM_005360.5(MAF):c.895C>G (p.Arg299Gly)

Gene: MAF (MAF bZIP transcription factor; minus strand). Cytogenetic location: 16q23.2.
Variant type: single nucleotide variant.
Coding change: c.895C>G on transcript NM_005360.5 (MANE Select); coding-DNA position 895, C replaced by G.
Protein change: p.Arg299Gly; replaces arginine 299 with glycine.
Molecular consequence: missense variant.
Genome position (GRCh38, 1-based): chr16:79,599,008, G>C on the plus strand (C>G on the coding strand, the complement: MAF is on the minus strand). VCF-style: chr16-79599008-G-C. GRCh37 (hg19) VCF-style: chr16-79632905-G-C.
Other names: c.895C>G, p.Arg299Gly (NM_001031804.3); short protein forms R299G.
Identifiers: ClinVar variation 3061260 (VCV003061260.2), dbSNP rs786205221, ClinGen allele CA396535003.
Genomic context (GRCh38, chr16:79,599,008, plus strand): 5'-CCGACTCCAGGACGTGTCTCTGCTGCACCCTCTTGAAGCGGCAGGACTGGGCATAGCCGC[G>C]GTTTTTCAGGGTCCGCCTCTTCTGCTTCAGCCGGATCACCTCCTCCTTGCTGACCCCGCG-3'
Protein context (NP_005351.2, residues 289-309): LKQKRRTLKN[Arg299Gly]GYAQSCRFKR